The following is an entry in ClinVar:

NM_014714.4(IFT140):c.883G>A (p.Val295Ile)

Genes: IFT140 (intraflagellar transport 140; minus strand), LOC105371046 (uncharacterized LOC105371046; plus strand). Cytogenetic location: 16p13.3.
Variant type: single nucleotide variant.
Coding change: c.883G>A on transcript NM_014714.4 (MANE Select); coding-DNA position 883, G replaced by A.
Protein change: p.Val295Ile; replaces valine 295 with isoleucine.
Molecular consequence: missense variant.
Genome position (GRCh38, 1-based): chr16:1,587,952, C>T on the plus strand (G>A on the coding strand, the complement: IFT140 is on the minus strand). VCF-style: chr16-1587952-C-T. GRCh37 (hg19) VCF-style: chr16-1637953-C-T.
Other names: short protein forms V295I.
Identifiers: ClinVar variation 968244 (VCV000968244.11), dbSNP rs762792738, ClinGen allele CA7814521.

ClinVar aggregate classification (germline): Conflicting classifications of pathogenicity. Review status: criteria provided, conflicting classifications (1 of 4 stars). 4 submissions from 4 submitters: Uncertain significance (3); Likely benign (1). Last evaluated 2026-01-14.

Conditions:
Saldino-Mainzer syndrome (SRTD9). Also called: CONORENAL SYNDROME; SHORT-RIB THORACIC DYSPLASIA 9 WITHOUT POLYDACTYLY; short-rib thoracic dysplasia 9 with or without polydactyly; Renal dysplasia, retinal pigmentary dystrophy, cerebellar ataxia and skeletal dysplasia. Identifiers: Orphanet 140969, MedGen C1849437, MONDO:0009964, OMIM 266920.
Retinitis pigmentosa 80 (RP80). Identifiers: MedGen C4540439, MONDO:0054708, OMIM 617781.
Retinal dystrophy. Also called: Inherited retinal dystrophy. Identifiers: Orphanet 71862, MedGen C0854723, MeSH D058499, MONDO:0019118, HP:0000556.

Allele frequency attached by ClinVar (database versions not stated): gnomAD 0.00001; TOPMed 0.00001; gnomAD exomes 0.00002 and 0.00003; ExAC 0.00004.

Submissions (4):

Labcorp Genetics (formerly Invitae), Labcorp
Classification: Likely benign for Saldino-Mainzer syndrome. Last evaluated: 2026-01-14. Review status: criteria provided, single submitter. Criteria: Invitae Variant Classification Sherloc (09022015). Collection method: clinical testing. Allele origin: germline.

Fulgent Genetics
Classification: Uncertain significance for Saldino-Mainzer syndrome; Retinitis pigmentosa 80. Last evaluated: 2024-03-18. Review status: criteria provided, single submitter. Criteria: ACMG Guidelines, 2015. Collection method: clinical testing. Allele origin: germline.

Dept Of Ophthalmology, Nagoya University
Classification: Uncertain significance for Retinal dystrophy. Last evaluated: 2023-10-01. Review status: criteria provided, single submitter. Criteria: Submitter's publication. Collection method: research. Allele origin: germline. Affected: yes.

GeneDx
Classification: Uncertain significance. Last evaluated: 2021-04-06. Review status: criteria provided, single submitter. Criteria: GeneDx Variant Classification Process June 2021. Collection method: clinical testing. Allele origin: germline. Affected: yes.
Comment: In silico analysis supports that this missense variant does not alter protein structure/function; Has not been previously published as pathogenic or benign to our knowledge